The following is an entry in ClinVar:

NM_004614.5(TK2):c.372_373delinsCT (p.Gln125Ter)

Gene: TK2 (thymidine kinase 2; minus strand). Cytogenetic location: 16q21.
Variant type: Indel.
Coding change: c.372_373delinsCT on transcript NM_004614.5 (MANE Select); coding-DNA positions 372 to 373, TC replaced by CT.
Protein change: p.Gln125Ter; replaces glutamine 125 with a stop codon.
Molecular consequence: nonsense. On other transcripts: non-coding transcript variant (1).
Genome position (GRCh38, 1-based): chr16:66,531,382-66,531,383, GA replaced by AG on the plus strand (TC replaced by CT on the coding strand, the reverse complement: TK2 is on the minus strand). VCF-style: chr16-66531382-GA-AG. GRCh37 (hg19) VCF-style: chr16-66565285-GA-AG.
Other names: c.279_280delinsCT, p.Gln94Ter (NM_001172643.1, NM_001271935.1); c.297_298delinsCT, p.Gln100Ter (NM_001172644.2); c.318_319delinsCT, p.Gln107Ter (NM_001172645.2); c.225_226delinsCT, p.Gln76Ter (NM_001271934.2); c.81_82delinsCT, p.Gln28Ter (NM_001272050.2); c.372_373delinsCT (NM_004614.4); short protein forms Q28*, Q125*, Q100*, Q94*, Q107*, Q76*.
Identifiers: ClinVar variation 265614 (VCV000265614.14), dbSNP rs886039669, ClinGen allele CA10588620.

ClinVar aggregate classification (germline): Pathogenic. Review status: criteria provided, multiple submitters, no conflicts (2 of 4 stars). 5 submissions from 5 submitters: Pathogenic (5). Last evaluated 2025-12-08.

Conditions:
Progressive external ophthalmoplegia with mitochondrial DNA deletions, autosomal recessive 3 (PEOB3). Also called: PROGRESSIVE EXTERNAL OPHTHALMOPLEGIA, AUTOSOMAL RECESSIVE 3. Identifiers: Orphanet 254886, MedGen C4310734, MONDO:0014898, OMIM 617069.
Mitochondrial DNA depletion syndrome, myopathic form (MTDPS2). Also called: MITOCHONDRIAL DNA DEPLETION MYOPATHY, TK2-RELATED; TK2-Related Mitochondrial DNA Maintenance Defect, Myopathic Form; MITOCHONDRIAL DNA DEPLETION SYNDROME 2 (MYOPATHIC TYPE). Identifiers: Orphanet 254875, MedGen C3149750, MONDO:0012301, OMIM 609560.
Mitochondrial disease. Also called: Mitochondrial disorders; Mitochondrial disorder. Identifiers: Orphanet 68380, MedGen C0751651, MeSH D028361, MONDO:0044970.

Submissions (5):

Labcorp Genetics (formerly Invitae), Labcorp
Classification: Pathogenic. Last evaluated: 2025-12-08. Review status: criteria provided, single submitter. Criteria: Invitae Variant Classification Sherloc (09022015). Collection method: clinical testing. Allele origin: germline.
Comment: This sequence change creates a premature translational stop signal (p.Gln125*) in the TK2 gene. It is expected to result in an absent or disrupted protein product. Loss-of-function variants in TK2 are known to be pathogenic (PMID: 20421844). Information on the frequency of this variant in the gnomAD database is not available, as this variant may be reported differently in the database. This premature translational stop signal has been observed in individual(s) with clinical features of mitochondrial DNA depletion syndrome (PMID: 29735374). ClinVar contains an entry for this variant (Variation ID: 265614). For these reasons, this variant has been classified as Pathogenic.

Genomenon, Inc
Classification: Pathogenic for Mitochondrial disease. Last evaluated: 2025-11-24. Review status: criteria provided, single submitter. Criteria: Genomenon Sequence Variant Interpretation Standards - Updated. Collection method: curation. Allele origin: germline. Affected: yes.
Comment: TK2 p.Gln125Ter (c.372_373delinsCT) is a nonsense variant that results in a premature stop codon at amino acid position 125, creating a truncated protein which is predicted to have a deleterious effect on TK2 gene function. It is also described as c.499C>T and p.Q167X in the literature. This variant has been observed in multiple probands affected with mitochondrial disease in the compound heterozygous state (16908738, 29735374,38544965). This variant is not present at a significant frequency in gnomAD. In conclusion, we classify TK2 p.Gln125Ter (c.372_373delinsCT) as a pathogenic variant.

Fulgent Genetics
Classification: Pathogenic for Mitochondrial DNA depletion syndrome, myopathic form; Progressive external ophthalmoplegia with mitochondrial DNA deletions, autosomal recessive 3. Last evaluated: 2024-03-02. Review status: criteria provided, single submitter. Criteria: ACMG Guidelines, 2015. Collection method: clinical testing. Allele origin: germline.

GeneDx
Classification: Pathogenic. Last evaluated: 2023-11-09. Review status: criteria provided, single submitter. Criteria: GeneDx Variant Classification Process June 2021. Collection method: clinical testing. Allele origin: germline. Affected: yes.
Comment: Identified in an individual with developmental delay, hypotonia, muscle weakness, regression, respiratory failure, hyporeflexia, dysphagia, and seizures, who was also heterozygous for another variant in TK2 (PMID: 29735374); Nonsense variant predicted to result in protein truncation or nonsense mediated decay in a gene for which loss of function is a known mechanism of disease; Not observed at significant frequency in large population cohorts (gnomAD); This variant is associated with the following publications: (PMID: 31589614, 32573669, 29735374)

Victorian Clinical Genetics Services, Murdoch Childrens Research Institute
Classification: Pathogenic for Mitochondrial DNA depletion syndrome, myopathic form. Last evaluated: 2022-03-31. Review status: criteria provided, single submitter. Criteria: ACMG Guidelines, 2015. Collection method: clinical testing. Allele origin: germline. Inheritance: Autosomal recessive inheritance.
Comment: Based on the classification scheme VCGS_Germline_v1.3.4, this variant is classified as Pathogenic. Following criteria are met: 0102 - Loss of function is a known mechanism of disease in this gene and is associated with mitochondrial DNA depletion syndrome 2 (myopathic type) (MIM#609560). (I) 0106 - This gene is associated with autosomal recessive disease. (I) 0115 - Variants in this gene are known to have variable expressivity (OMIM, GeneReviews). (I) 0201 - Variant is predicted to cause nonsense-mediated decay (NMD) and loss of protein (premature termination codon is located at least 54 nucleotides upstream of the final exon-exon junction). (SP) 0251 - This variant is heterozygous. (I) 0301 - Variant is absent from gnomAD (both v2 and v3). However, it should be noted that a single nucleotide change that results in the same protein outcome (c.373C>T; p.(Gln125X)) as our variant has 2 heterozygotes in gnomAD v2. (SP) 0701 - Other null variants comparable to the one identified in this case have very strong previous evidence for pathogenicity. There are at least five NMD-predicted variants that have been classified as likely pathogenic or pathogenic (ClinVar, DECIPHER). (SP) 0803 - This variant has limited previous evidence of pathogenicity in unrelated individual. This variant has been reported in two individuals with mtDNA depletion syndrome (ClinVar, PMID: 29735374). It should also be noted that a reported single nucleotide change that results in the same protein outcome as our variant (c.373C>T; p.(Gln125X)) has been identified in individuals with mtDNA depletion syndrome (PMIDs: 16908738, 29602790). (SP) 0905 - No published segregation evidence has been identified for this variant. (I) 1007 - No published functional evidence has been identified for this variant. (I) Legend: (SP) - Supporting pathogenic, (I) - Information, (SB) - Supporting benign

Literature cited by the submitters: PubMed 20421844 (cited by Labcorp Genetics (formerly Invitae), Labcorp); PubMed 29735374 (cited by 3 submitters); PubMed 16908738 (cited by Genomenon, Inc and Victorian Clinical Genetics Services, Murdoch Childrens Research Institute); PubMed 38544965 (cited by Genomenon, Inc); PubMed 29602790 (cited by Victorian Clinical Genetics Services, Murdoch Childrens Research Institute).